The following is an entry in ClinVar:

ClinVar aggregate classification (germline): Conflicting classifications of pathogenicity. Review status: criteria provided, conflicting classifications (1 of 4 stars). 14 submissions from 14 submitters: Uncertain significance (7); Likely benign (7). Last evaluated 2026-01-31.

Conditions:
VHL-related disorder. Also called: VHL-related condition.
Hereditary cancer-predisposing syndrome. Also called: Tumor predisposition; Neoplastic Syndromes, Hereditary; Hereditary Cancer Syndrome; Hereditary neoplastic syndrome. Identifiers: Orphanet 140162, MedGen C0027672, MeSH D009386, MONDO:0015356.
Chuvash polycythemia. Also called: POLYCYTHEMIA, VHL-DEPENDENT. Identifiers: Orphanet 238557, MedGen C1837915, MONDO:0009892, OMIM 263400.
Von Hippel-Lindau syndrome (VHLS). Also called: VHL syndrome; von Hippel–Lindau syndrome; Von Hippel-Lindau. Identifiers: Orphanet 892, MedGen C0019562, MONDO:0008667, OMIM 193300. Disease mechanism: loss of function.
Nonpapillary renal cell carcinoma. Identifiers: Orphanet 422526, MedGen CN074294, MONDO:0007763, OMIM 144700.
Pheochromocytoma. Also called: MAX-Related Hereditary Paraganglioma-Pheochromocytoma Syndrome. Identifiers: Orphanet 29072, MedGen C0031511, MONDO:0008233, OMIM 171300, HP:0002666.

Allele frequency attached by ClinVar (database versions not stated): TOPMed 0.00005; gnomAD 0.00007 and 0.00008; ExAC 0.00009.
gnomAD v4.1: 212 of 1,535,874 alleles (0.014%); highest among the groups gnomAD compares: Non-Finnish European, 0.017%; no homozygotes.

Submissions (14):

Labcorp Genetics (formerly Invitae), Labcorp
Classification: Likely benign for Von Hippel-Lindau syndrome; Chuvash polycythemia. Last evaluated: 2026-01-31. Review status: criteria provided, single submitter. Criteria: Invitae Variant Classification Sherloc (09022015). Collection method: clinical testing. Allele origin: germline.

Myriad Genetics, Inc.
Classification: Likely benign for Von Hippel-Lindau syndrome. Last evaluated: 2025-06-10. Review status: criteria provided, single submitter. Criteria: Myriad Autosomal Dominant, Autosomal Recessive and X-Linked Classification Criteria (2023). Collection method: clinical testing. Allele origin: unknown.
Comment: This variant is considered likely benign. This variant has been observed at a population frequency that is significantly greater than expected given the associated disease prevalence and penetrance.

PreventionGenetics, part of Exact Sciences
Classification: Likely benign for VHL-related condition. Last evaluated: 2025-03-15. Review status: criteria provided, single submitter. Criteria: ACMG Guidelines, 2015. Collection method: clinical testing. Allele origin: germline.
Comment: This variant is classified as likely benign based on ACMG/AMP sequence variant interpretation guidelines (Richards et al. 2015 PMID: 25741868, with internal and published modifications).

Center for Genomic Medicine, Rigshospitalet, Copenhagen University Hospital
Classification: Uncertain significance. Last evaluated: 2025-03-04. Review status: criteria provided, single submitter. Criteria: ACMG Guidelines, 2015. Collection method: clinical testing. Allele origin: germline.

All of Us Research Program, National Institutes of Health
Classification: Uncertain significance for Von Hippel-Lindau syndrome. Last evaluated: 2024-06-27. Review status: criteria provided, single submitter. Criteria: ACMG Guidelines, 2015. Collection method: clinical testing. Allele origin: germline. Inheritance: Autosomal dominant inheritance. Observed: 31 variant alleles, 31 heterozygotes.
Comment: This missense variant replaces proline with leucine at codon 2 of the VHL protein. Computational prediction suggests that this variant may not impact protein structure and function (internally defined REVEL score threshold <= 0.5, PMID: 27666373). To our knowledge, functional studies have not been reported for this variant. This variant has been reported in two individuals affected with erythrocytosis (PMID: 29790589). This variant has been identified in 14/171178 chromosomes in the general population by the Genome Aggregation Database (gnomAD). The available evidence is insufficient to determine the role of this variant in disease conclusively. Therefore, this variant is classified as a Variant of Uncertain Significance.

This study involves interpretation of variants in research participants for the purpose of population health screening. Participant phenotype was not available at the time of variant classification. Additional details can be found in publication PMID: 35346344, PMCID: PMC8962531

Color Diagnostics, LLC DBA Color Health
Classification: Uncertain significance for Von Hippel-Lindau syndrome. Last evaluated: 2024-05-17. Review status: criteria provided, single submitter. Criteria: ACMG Guidelines, 2015. Collection method: clinical testing. Allele origin: germline.
Comment: This missense variant replaces proline with leucine at codon 2 of the VHL protein. Computational prediction suggests that this variant may not impact protein structure and function. To our knowledge, functional studies have not been reported for this variant. This variant has been reported in two individuals affected with erythrocytosis (PMID: 29790589). This variant has been identified in 14/171178 chromosomes in the general population by the Genome Aggregation Database (gnomAD). The available evidence is insufficient to determine the role of this variant in disease conclusively. Therefore, this variant is classified as a Variant of Uncertain Significance.

Fulgent Genetics
Classification: Likely benign for Nonpapillary renal cell carcinoma; Pheochromocytoma; Von Hippel-Lindau syndrome; Chuvash polycythemia. Last evaluated: 2024-04-11. Review status: criteria provided, single submitter. Criteria: ACMG Guidelines, 2015. Collection method: clinical testing. Allele origin: germline.

CeGaT Center for Human Genetics Tuebingen
Classification: Uncertain significance. Last evaluated: 2024-04-01. Review status: criteria provided, single submitter. Criteria: CeGaT Center For Human Genetics Tuebingen Variant Classification Criteria Version 2. Collection method: clinical testing. Allele origin: germline. Affected: yes. Observed: 2 variant alleles.
Comment: VHL: PM2

Department of Pathology and Laboratory Medicine, Sinai Health System
Classification: Uncertain significance for Nonpapillary renal cell carcinoma; Von Hippel-Lindau syndrome. Last evaluated: 2022-01-28. Review status: criteria provided, single submitter. Criteria: ACMG Guidelines, 2015. Collection method: clinical testing. Allele origin: germline. Affected: yes.

Sema4
Classification: Likely benign for Hereditary cancer-predisposing syndrome. Last evaluated: 2022-01-06. Review status: criteria provided, single submitter. Criteria: Sema4 Curation Guidelines. Collection method: curation. Allele origin: germline.

Ambry Genetics
Classification: Likely benign for Hereditary cancer-predisposing syndrome. Last evaluated: 2020-06-02. Review status: criteria provided, single submitter. Criteria: Ambry Variant Classification Scheme 2023. Collection method: clinical testing. Allele origin: germline.

GeneDx
Classification: Likely benign. Last evaluated: 2019-11-01. Review status: criteria provided, single submitter. Criteria: GeneDx Variant Classification Process June 2021. Collection method: clinical testing. Allele origin: germline. Affected: yes.
Comment: This variant is associated with the following publications: (PMID: 29790589, 10612827)

Illumina Laboratory Services, Illumina
Classification: Uncertain significance for Von Hippel-Lindau syndrome. Last evaluated: 2018-01-13. Review status: criteria provided, single submitter. Criteria: ICSL Variant Classification Criteria 13 December 2019. Collection method: clinical testing. Allele origin: germline.

Women's Health and Genetics/Laboratory Corporation of America, LabCorp
Classification: Uncertain significance. Last evaluated: 2017-10-23. Review status: criteria provided, single submitter. Criteria: LabCorp Variant Classification Summary - May 2015. Collection method: clinical testing. Allele origin: germline.
Comment: Variant summary: The VHL c.5C>T (p.Pro2Leu) variant involves the alteration of a non-conserved nucleotide. 2/3 in silico tools predict a benign outcome for this variant (SNPsandGO not captured due to low reliability index). This variant was found in 12/164682 control chromosomes, predominantly observed in the European (Non-Finnish) subpopulation at a frequency of 0.000189 (12/63398). This frequency is about 9 times the estimated maximal expected allele frequency of a pathogenic VHL variant (0.0000208), suggesting this is likely a benign polymorphism found primarily in the populations of European (Non-Finnish) origin. Multiple clinical diagnostic laboratories/reputable databases classified this variant as uncertain significance. The variant of interest has not, to our knowledge, been reported in affected individuals via publications nor evaluated for functional impact by in vivo/vitro studies. Taken together, this variant is classified as a VUS - possibly benign variant, until additional evidence becomes available.

Literature cited by the submitters: PubMed 29790589 (cited by 4 submitters).

NM_000551.4(VHL):c.5C>T (p.Pro2Leu)

Gene: VHL (von Hippel-Lindau tumor suppressor; plus strand). Cytogenetic location: 3p25.3.
Variant type: single nucleotide variant.
Coding change: c.5C>T on transcript NM_000551.4 (MANE Select); coding-DNA position 5, C replaced by T.
Protein change: p.Pro2Leu; replaces proline 2 with leucine.
Molecular consequence: missense variant.
Genome position (GRCh38, 1-based): chr3:10,141,852, C>T. VCF-style: chr3-10141852-C-T. GRCh37 (hg19) VCF-style: chr3-10183536-C-T.
Other names: p.P2L:CCC>CTC; c.5C>T, p.Pro2Leu (NM_001354723.2, NM_198156.3); short protein forms P2L.
Identifiers: ClinVar variation 182981 (VCV000182981.51), dbSNP rs111246617, ClinGen allele CA020518.